The following is an entry in ClinVar:

NM_001613.4(ACTA2):c.808+14G>A

Genes: ACTA2 (actin alpha 2, smooth muscle; minus strand), ACTA2-AS1 (ACTA2 antisense RNA 1; plus strand). Cytogenetic location: 10q23.31.
Variant type: single nucleotide variant.
Coding change: c.808+14G>A on transcript NM_001613.4 (MANE Select); 14 bases into the intron after coding-DNA position 808, G replaced by A.
Molecular consequence: intron variant. On other transcripts: non-coding transcript variant (1).
Genome position (GRCh38, 1-based): chr10:88,939,493, C>T on the plus strand (G>A on the coding strand, the complement: ACTA2 is on the minus strand). VCF-style: chr10-88939493-C-T. GRCh37 (hg19) VCF-style: chr10-90699250-C-T.
Other names: c.679+14G>A (NM_001406467.1, NM_001406468.1, NM_001406469.1); c.808+14G>A (NM_001320855.2, NM_001406462.1, NM_001141945.3 and 2 more transcripts); c.617-1251G>A (NM_001406471.1); c.697+14G>A (NM_001406466.1).
Identifiers: ClinVar variation 301507 (VCV000301507.14), dbSNP rs774120023, ClinGen allele CA029593.

ClinVar aggregate classification (germline): Conflicting classifications of pathogenicity. Review status: criteria provided, conflicting classifications (1 of 4 stars). 4 submissions from 3 submitters: Uncertain significance (2); Likely benign (2). Last evaluated 2024-10-18.

Conditions:
Multisystemic smooth muscle dysfunction syndrome (SMDYS). Also called: MYDRIASIS, CONGENITAL, WITH PATENT DUCTUS ARTERIOSUS, THORACIC AORTIC ANEURYSM, AND VASCULOPATHY; SMOOTH MUSCLE DYSFUNCTION SYNDROME. Identifiers: Orphanet 404463, MedGen C3151201, MONDO:0013452, OMIM 613834.
Aortic aneurysm, familial thoracic 6 (AAT6). Also called: FAMILIAL THORACIC AORTIC ANEURYSM WITH LIVEDO RETICULARIS AND IRIS FLOCCULI. Identifiers: MedGen C2673186, MONDO:0012730, OMIM 611788.

Allele frequency attached by ClinVar (database versions not stated): TOPMed below 0.00001; ExAC 0.00001; gnomAD 0.00001; gnomAD exomes 0.00002.
gnomAD v4.1: 31 of 1,612,250 alleles (0.0019%); highest among the groups gnomAD compares: African/African-American, 0.0053%; no homozygotes.

Submissions (4):

Labcorp Genetics (formerly Invitae), Labcorp
Classification: Likely benign for Aortic aneurysm, familial thoracic 6. Last evaluated: 2024-10-18. Review status: criteria provided, single submitter. Criteria: Invitae Variant Classification Sherloc (09022015). Collection method: clinical testing. Allele origin: germline.

Illumina Laboratory Services, Illumina
Classification: Uncertain significance for Aortic aneurysm, familial thoracic 6. Last evaluated: 2018-01-12. Review status: criteria provided, single submitter. Criteria: ICSL Variant Classification Criteria 13 December 2019. Collection method: clinical testing. Allele origin: germline.

Illumina Laboratory Services, Illumina
Classification: Uncertain significance for Multisystemic smooth muscle dysfunction syndrome. Last evaluated: 2018-01-12. Review status: criteria provided, single submitter. Criteria: ICSL Variant Classification Criteria 13 December 2019. Collection method: clinical testing. Allele origin: germline.

GeneDx
Classification: Likely benign. Last evaluated: 2017-10-26. Review status: criteria provided, single submitter. Criteria: GeneDx Variant Classification (06012015). Collection method: clinical testing. Allele origin: germline. Affected: yes.
Comment: This variant is considered likely benign or benign based on one or more of the following criteria: it is a conservative change, it occurs at a poorly conserved position in the protein, it is predicted to be benign by multiple in silico algorithms, and/or has population frequency not consistent with disease.